The following is an entry in ClinVar:

ClinVar aggregate classification (germline): Likely benign (0 of 4 stars; one submission).

Conditions:
UNC13A-related disorder. Also called: UNC13A-related condition.

Allele frequency attached by ClinVar (database versions not stated): gnomAD exomes 0.00002; ExAC 0.00003; gnomAD 0.00003; TOPMed 0.00003.
gnomAD v4.1: 30 of 1,603,904 alleles (0.0019%); highest among the groups gnomAD compares: Non-Finnish European, 0.0025%; no homozygotes.

Submission:

PreventionGenetics, part of Exact Sciences
Classification: Likely benign for UNC13A-related condition. Last evaluated: 2023-04-03. Review status: no assertion criteria provided. Collection method: clinical testing. Allele origin: germline.
Comment: This variant is classified as likely benign based on ACMG/AMP sequence variant interpretation guidelines (Richards et al. 2015 PMID: 25741868, with internal and published modifications).

NM_001080421.3(UNC13A):c.3783G>A (p.Gln1261=)

Gene: UNC13A (unc-13 homolog A; minus strand). Cytogenetic location: 19p13.11.
Variant type: single nucleotide variant.
Coding change: c.3783G>A on transcript NM_001080421.3 (MANE Select); coding-DNA position 3783, G replaced by A.
Protein change: p.Gln1261=; no amino-acid change (glutamine 1261 retained).
Molecular consequence: synonymous variant.
Genome position (GRCh38, 1-based): chr19:17,627,911, C>T on the plus strand (G>A on the coding strand, the complement: UNC13A is on the minus strand). VCF-style: chr19-17627911-C-T. GRCh37 (hg19) VCF-style: chr19-17738720-C-T.
Other names: c.3777G>A, p.Gln1259= (NM_001387021.1, NM_001387023.1); c.3774G>A, p.Gln1258= (NM_001387022.1).
Identifiers: ClinVar variation 3059576 (VCV003059576.2), dbSNP rs770393651, ClinGen allele CA9297913.
Genomic context (GRCh38, chr19:17,627,911, plus strand): 5'-GCCCTGCCTCACCTCCTTTCCTCCCATGGCTTCGAACATCTTCTCCAGCTGAACTCGTAG[C>T]TGTTGAGTGTTATTCATGAGAATGCAGGGCTGTGGGTGGGAACAGAGAGGGGAGTCAAGC-3'
Protein context (NP_001073890.2, residues 1251-1271): VPCILMNNTQ[Gln1261=]LRVQLEKMFE